The following is an entry in ClinVar:

NM_001854.4(COL11A1):c.97G>A (p.Val33Ile)

Gene: COL11A1 (collagen type XI alpha 1 chain; minus strand). Cytogenetic location: 1p21.1.
Variant type: single nucleotide variant.
Coding change: c.97G>A on transcript NM_001854.4 (MANE Select); coding-DNA position 97, G replaced by A.
Protein change: p.Val33Ile; replaces valine 33 with isoleucine.
Molecular consequence: missense variant. On other transcripts: non-coding transcript variant (1).
Genome position (GRCh38, 1-based): chr1:103,108,082, C>T on the plus strand (G>A on the coding strand, the complement: COL11A1 is on the minus strand). VCF-style: chr1-103108082-C-T. GRCh37 (hg19) VCF-style: chr1-103573638-C-T.
Other names: c.97G>A, p.Val33Ile (NM_001190709.2, NM_080629.3, NM_080630.4); c.97G>A (NM_001854.3); short protein forms V33I.
Identifiers: ClinVar variation 1352373 (VCV001352373.9), dbSNP rs755307749, ClinGen allele CA975576.
Genomic context (GRCh38, chr1:103,108,082, plus strand): 5'-GCAGTAGGACCGACGGCAATCTCCCACCTCCCCAAATCCATTTTTTCTTACCTCCTCTGA[C>T]CTCTCTAGCTTGGAAGAGGAAGGTCAATGCGAGGGTTGTTACGGTGAAATCCCAGAGCCA-3'
Protein context (NP_001845.3, residues 23-43): ALTFLFQARE[Val33Ile]RGAAPVDVLK

ClinVar aggregate classification (germline): Conflicting classifications of pathogenicity. Review status: criteria provided, conflicting classifications (1 of 4 stars). 2 submissions from 2 submitters: Uncertain significance (1); Likely benign (1). Last evaluated 2025-10-06.

Allele frequency attached by ClinVar (database versions not stated): ExAC 0.00001; gnomAD 0.00001; gnomAD exomes 0.00001; TOPMed 0.00001.

Submissions (2):

Labcorp Genetics (formerly Invitae), Labcorp
Classification: Likely benign. Last evaluated: 2025-10-06. Review status: criteria provided, single submitter. Criteria: Invitae Variant Classification Sherloc (09022015). Collection method: clinical testing. Allele origin: germline.

GeneDx
Classification: Uncertain significance. Last evaluated: 2024-09-13. Review status: criteria provided, single submitter. Criteria: GeneDx Variant Classification Process June 2021. Collection method: clinical testing. Allele origin: germline. Affected: yes.
Comment: Has not been previously published as pathogenic or benign to our knowledge; Not observed at significant frequency in large population cohorts (gnomAD); In silico analysis indicates that this missense variant does not alter protein structure/function; This variant is associated with the following publications: (PMID: 25240749)